The following is an entry in ClinVar:

ClinVar aggregate classification (germline): Likely pathogenic (1 of 4 stars; one submission).

Conditions:
Intellectual disability-severe speech delay-mild dysmorphism syndrome (IDDLA). Also called: Mental retardation with language impairment and autistic features; Intellectual developmental disorder with language impairment AND with or without autistic features; FOXP1 Syndrome. Identifiers: Orphanet 391372, MedGen C4013764, MONDO:0013352, OMIM 613670.

Submission:

Neuberg Centre For Genomic Medicine, NCGM
Classification: Likely pathogenic for Intellectual disability-severe speech delay-mild dysmorphism syndrome. Review status: criteria provided, single submitter. Criteria: ACMG Guidelines, 2015. Collection method: clinical testing. Allele origin: germline. Inheritance: Autosomal dominant inheritance. Affected: yes.
Comment: The splice acceptor variant c.1349-1G>A in FOXP1 gene has not been reported previously as a pathogenic variant nor as a benign variant, to our knowledge. The c.1349-1G>A variant is novel (not in any individuals) in gnomAD exomes and is novel (not in any individuals) in 1000 Genomes. This variant has not been reported to the ClinVar database. This variant mutates a splice-acceptor sequence, potentially resulting in exon skipping and the production of abnormal proteins. Loss of function variants have been previously reported to be disease causing. For these reasons, this variant has been classified as Likely Pathogenic.

NM_001349338.3(FOXP1):c.1349-1G>A

Gene: FOXP1 (forkhead box P1; minus strand). Cytogenetic location: 3p13.
Variant type: single nucleotide variant.
Coding change: c.1349-1G>A on transcript NM_001349338.3 (MANE Select); the canonical splice acceptor site of the intron before coding-DNA position 1349, G replaced by A.
Molecular consequence: splice acceptor variant. On other transcripts: intron variant (2).
Genome position (GRCh38, 1-based): chr3:70,977,723, C>T on the plus strand (G>A on the coding strand, the complement: FOXP1 is on the minus strand). VCF-style: chr3-70977723-C-T. GRCh37 (hg19) VCF-style: chr3-71026874-C-T.
Other names: c.1349-1G>A (NM_001244810.2, NM_032682.6, NM_001349340.3 and 2 more transcripts); c.1346-1G>A (NM_001349341.3); c.1349-4G>A (NM_001244808.3); c.1121-1G>A (NM_001244812.3); c.1046-1G>A (NM_001349343.3, NM_001349337.2, NM_001349344.3); c.1049-1G>A (NM_001349342.3, NM_001244815.2, NM_001244813.3); c.1049-4G>A (NM_001370548.1).
Identifiers: ClinVar variation 2585000 (VCV002585000.1), dbSNP rs2545120168, ClinGen allele CA353493381.